The following is an entry in ClinVar:

ClinVar aggregate classification (germline): Uncertain significance (1 of 4 stars; one submission).

Submission:

Ambry Genetics
Classification: Uncertain significance. Last evaluated: 2023-09-27. Review status: criteria provided, single submitter. Criteria: Ambry Variant Classification Scheme 2023. Collection method: clinical testing. Allele origin: germline.
Comment: The p.P51A variant (also known as c.151C>G), located in coding exon 1 of the EGLN2 gene, results from a C to G substitution at nucleotide position 151. The proline at codon 51 is replaced by alanine, an amino acid with highly similar properties. This amino acid position is conserved. In addition, this alteration is predicted to be tolerated by in silico analysis. Since supporting evidence is limited at this time, the clinical significance of this alteration remains unclear.

NM_080732.4(EGLN2):c.151C>G (p.Pro51Ala)

Genes: EGLN2 (egl-9 family hypoxia inducible factor 2; plus strand), RAB4B-EGLN2 (RAB4B-EGLN2 readthrough (NMD candidate); plus strand). Cytogenetic location: 19q13.2.
Variant type: single nucleotide variant.
Coding change: c.151C>G on transcript NM_080732.4 (MANE Select); coding-DNA position 151, C replaced by G.
Protein change: p.Pro51Ala; replaces proline 51 with alanine.
Molecular consequence: missense variant. On other transcripts: non-coding transcript variant (1).
Genome position (GRCh38, 1-based): chr19:40,800,723, C>G. VCF-style: chr19-40800723-C-G. GRCh37 (hg19) VCF-style: chr19-41306628-C-G.
Other names: c.151C>G, p.Pro51Ala (NM_053046.4); short protein forms P51A.
Identifiers: ClinVar variation 3228986 (VCV003228986.1), dbSNP rs1276428936, ClinGen allele CA405954665.